The following is an entry in ClinVar:

NM_006648.4(WNK2):c.5677A>T (p.Ile1893Leu)

Gene: WNK2 (WNK lysine deficient protein kinase 2; plus strand). Cytogenetic location: 9q22.31.
Variant type: single nucleotide variant.
Coding change: c.5677A>T on transcript NM_006648.4 (MANE Select); coding-DNA position 5677, A replaced by T.
Protein change: p.Ile1893Leu; replaces isoleucine 1893 with leucine.
Molecular consequence: missense variant.
Genome position (GRCh38, 1-based): chr9:93,293,142, A>T. VCF-style: chr9-93293142-A-T. GRCh37 (hg19) VCF-style: chr9-96055424-A-T.
Other names: c.5788A>T, p.Ile1930Leu (NM_001282394.3); short protein forms I1930L, I1893L.
Identifiers: ClinVar variation 3982005 (VCV003982005.1).

ClinVar aggregate classification (germline): Uncertain significance (1 of 4 stars; one submission).

gnomAD v4.1: 3 of 1,561,714 alleles (0.00019%); highest among the groups gnomAD compares: Middle Eastern, 0.034%; no homozygotes.

Submission:

Ambry Genetics
Classification: Uncertain significance. Last evaluated: 2025-05-06. Review status: criteria provided, single submitter. Criteria: Ambry Variant Classification Scheme 2023. Collection method: clinical testing. Allele origin: germline.
Comment: The p.I1893L variant (also known as c.5677A>T), located in coding exon 22 of the WNK2 gene, results from an A to T substitution at nucleotide position 5677. The isoleucine at codon 1893 is replaced by leucine, an amino acid with highly similar properties. This amino acid position is conserved. In addition, this alteration is predicted to be tolerated by in silico analysis. Based on the available evidence, the clinical significance of this variant remains unclear.